The following is an entry in ClinVar:

ClinVar aggregate classification (germline): Conflicting classifications of pathogenicity. Review status: criteria provided, conflicting classifications (1 of 4 stars). 5 submissions from 5 submitters: Uncertain significance (1); Likely benign (4). Last evaluated 2026-06-01.

Conditions:
Pyridoxine-dependent epilepsy (EPEO4). Also called: Pyridoxine-Dependent Epilepsy - ALDH7A1; EPILEPSY, EARLY-ONSET, 4, VITAMIN B6-DEPENDENT; Pyridoxine-Dependent Seizures; PYRIDOXINE DEPENDENCY WITH SEIZURES. Identifiers: Orphanet 3006, MedGen C1849508, MONDO:0009945, OMIM 266100. Disease mechanism: loss of function.

Allele frequency attached by ClinVar (database versions not stated): gnomAD 0.00013 and 0.00014; gnomAD exomes 0.00014 and 0.00017; TOPMed 0.00015; ExAC 0.00024; ESP Exome Variant Server 0.00038.
gnomAD v4.1: 246 of 1,567,558 alleles (0.016%); highest among the groups gnomAD compares: Middle Eastern, 0.099%; no homozygotes.

Submissions (5):

CeGaT Center for Human Genetics Tuebingen
Classification: Likely benign. Last evaluated: 2026-06-01. Review status: criteria provided, single submitter. Criteria: CeGaT Center For Human Genetics Tuebingen Variant Classification Criteria Version 2. Collection method: clinical testing. Allele origin: germline. Affected: yes. Observed: 2 variant alleles.
Comment: ALDH7A1: BP4, BP7

Labcorp Genetics (formerly Invitae), Labcorp
Classification: Likely benign for Pyridoxine-dependent epilepsy. Last evaluated: 2026-01-13. Review status: criteria provided, single submitter. Criteria: Invitae Variant Classification Sherloc (09022015). Collection method: clinical testing. Allele origin: germline.

Blueprint Genetics
Classification: Likely benign. Last evaluated: 2023-08-23. Review status: criteria provided, single submitter. Criteria: ACMG Guidelines, 2015. Collection method: clinical testing. Allele origin: germline.

GeneDx
Classification: Likely benign. Last evaluated: 2020-03-03. Review status: criteria provided, single submitter. Criteria: GeneDx Variant Classification Process June 2021. Collection method: clinical testing. Allele origin: germline. Affected: yes.

Eurofins Ntd Llc (ga)
Classification: Uncertain significance. Last evaluated: 2016-04-19. Review status: criteria provided, single submitter. Criteria: EGL Classification Definitions 2015. Collection method: clinical testing. Allele origin: germline. Observed: 1 variant allele, 1 heterozygote.

NM_001182.5(ALDH7A1):c.63T>C (p.Pro21=)

Gene: ALDH7A1 (aldehyde dehydrogenase 7 family member A1; minus strand). Cytogenetic location: 5q23.2.
Variant type: single nucleotide variant.
Coding change: c.63T>C on transcript NM_001182.5 (MANE Select); coding-DNA position 63, T replaced by C.
Protein change: p.Pro21=; no amino-acid change (proline 21 retained).
Molecular consequence: synonymous variant. On other transcripts: 5 prime UTR variant (1).
Genome position (GRCh38, 1-based): chr5:126,595,136, A>G on the plus strand (T>C on the coding strand, the complement: ALDH7A1 is on the minus strand). VCF-style: chr5-126595136-A-G. GRCh37 (hg19) VCF-style: chr5-125930828-A-G.
Other names: c.-22T>C (NM_001201377.2); c.63T>C, p.Pro21= (NM_001202404.2).
Identifiers: ClinVar variation 287061 (VCV000287061.44), dbSNP rs368427726, ClinGen allele CA3389933.